The following is an entry in ClinVar:

NM_000431.4(MVK):c.447C>G (p.Tyr149Ter)

Gene: MVK (mevalonate kinase; plus strand). Cytogenetic location: 12q24.11.
Variant type: single nucleotide variant.
Coding change: c.447C>G on transcript NM_000431.4 (MANE Select); coding-DNA position 447, C replaced by G.
Protein change: p.Tyr149Ter; replaces tyrosine 149 with a stop codon.
Molecular consequence: nonsense. On other transcripts: intron variant (1).
Genome position (GRCh38, 1-based): chr12:109,581,470, C>G. VCF-style: chr12-109581470-C-G. GRCh37 (hg19) VCF-style: chr12-110019275-C-G.
Other names: c.447C>G, p.Tyr149Ter (NM_001114185.3); c.371+1524C>G (NM_001301182.2); short protein forms Y149*.
Identifiers: ClinVar variation 97593 (VCV000097593.4), dbSNP rs104895299, ClinGen allele CA149836.
Genomic context (GRCh38, chr12:109,581,470, plus strand): 5'-GGATATCGTAGTGTGGTCGGAGCTGCCCCCCGGGGCGGGCTTGGGCTCCAGCGCCGCCTA[C>G]TCGGTGTGTCTGGCAGCAGCCCTCCTGACTGTGTGCGAGGAGATCCCAAACCCGCTGAAG-3'

ClinVar aggregate classification (germline): Pathogenic. Review status: criteria provided, multiple submitters, no conflicts (2 of 4 stars). 3 submissions from 3 submitters: Pathogenic (2). 1 of the submissions does not count toward it. Last evaluated 2024-10-10.

Conditions:
Deficiency of mevalonate kinase. Also called: Mevalonate kinase deficiency. Identifiers: Orphanet 309025, MedGen C0342731, MONDO:0017708.
Porokeratosis 3, disseminated superficial actinic type (POROK3). Also called: POROKERATOSIS, DISSEMINATED SUPERFICIAL ACTINIC, 1; POROKERATOSIS 3, MULTIPLE TYPES; POROKERATOSIS 3, MIBELLI TYPE. Identifiers: MedGen C1867981, MONDO:0008293, OMIM 175900.
Mevalonic aciduria (MEVA). Identifiers: Orphanet 29, MedGen C1959626, MONDO:0012481, OMIM 610377.
Hyperimmunoglobulin D with periodic fever (HIDS). Also called: Hyperimmunoglobulinemia D with periodic fever; HYPERIMMUNOGLOBULINEMIA D AND PERIODIC FEVER SYNDROME; Hyperimmunoglobulinemia D. Identifiers: Orphanet 343, MedGen C0398691, MONDO:0009849, OMIM 260920.

Allele frequency attached by ClinVar (database versions not stated): gnomAD 0.00001; TOPMed below 0.00001.
gnomAD v4.1: 4 of 1,614,090 alleles (0.00025%); highest among the groups gnomAD compares: Non-Finnish European, 0.00034%; no homozygotes.

Submissions (3):

Labcorp Genetics (formerly Invitae), Labcorp
Classification: Pathogenic for Mevalonic aciduria; Hyperimmunoglobulin D with periodic fever; Porokeratosis 3, disseminated superficial actinic type. Last evaluated: 2024-10-10. Review status: criteria provided, single submitter. Criteria: Invitae Variant Classification Sherloc (09022015). Collection method: clinical testing. Allele origin: germline.
Comment: This sequence change creates a premature translational stop signal (p.Tyr149*) in the MVK gene. It is expected to result in an absent or disrupted protein product. Loss-of-function variants in MVK are known to be pathogenic (PMID: 16835861, 17105862, 23834120). This variant is not present in population databases (gnomAD no frequency). This premature translational stop signal has been observed in individual(s) with autosomal recessive hyperimmunoglobulinemia D syndrome (HIDS) (PMID: 11313768). ClinVar contains an entry for this variant (Variation ID: 97593). For these reasons, this variant has been classified as Pathogenic.

Myriad Genetics, Inc.
Classification: Pathogenic for Deficiency of mevalonate kinase. Last evaluated: 2024-07-17. Review status: criteria provided, single submitter. Criteria: Myriad Autosomal Dominant, Autosomal Recessive and X-Linked Classification Criteria (2023). Collection method: clinical testing. Allele origin: unknown.
Comment: NM_000431.2(MVK):c.447C>G(Y149*) is expected to be pathogenic in the context of mevalonate kinase deficiency. This variant is predicted to lead to an abnormal or absent protein product due to the creation of a premature termination codon in MVK, a gene where loss-of-function variants are known to be pathogenic. Please note: this variant was assessed in the context of healthy population screening.

Unité médicale des maladies autoinflammatoires, CHRU Montpellier
No classification provided. Condition: Hyperimmunoglobulin D with periodic fever. Review status: no classification provided. Collection method: not provided. Allele origin: unknown. Not counted in ClinVar's aggregate classification.
Comment: also involved in OMIM 25117

Literature cited by the submitters: PubMed 16835861 (cited by Labcorp Genetics (formerly Invitae), Labcorp); PubMed 17105862 (cited by Labcorp Genetics (formerly Invitae), Labcorp); PubMed 23834120 (cited by Labcorp Genetics (formerly Invitae), Labcorp); PubMed 11313768 (cited by Labcorp Genetics (formerly Invitae), Labcorp).